The following is an entry in ClinVar:

ClinVar aggregate classification (germline): Likely benign (1 of 4 stars; one submission).

Allele frequency attached by ClinVar (database versions not stated): 1000 Genomes Project 0.00120; 1000 Genomes Project 30x 0.00156; gnomAD exomes 0.00237; ExAC 0.00375.
gnomAD v4.1: 3,668 of 1,532,830 alleles (0.24%); highest among the groups gnomAD compares: Middle Eastern, 0.57%; 14 homozygotes.

Submission:

CeGaT Center for Human Genetics Tuebingen
Classification: Likely benign. Last evaluated: 2022-06-01. Review status: criteria provided, single submitter. Criteria: CeGaT Center For Human Genetics Tuebingen Variant Classification Criteria Version 2. Collection method: clinical testing. Allele origin: germline. Affected: yes. Observed: 1 variant allele.
Comment: WIZ: BP4, BS2

NM_001371589.1(WIZ):c.1825C>T (p.Arg609Trp)

Gene: WIZ (WIZ zinc finger; minus strand). Cytogenetic location: 19p13.12.
Variant type: single nucleotide variant.
Coding change: c.1825C>T on transcript NM_001371589.1 (MANE Select); coding-DNA position 1825, C replaced by T.
Protein change: p.Arg609Trp; replaces arginine 609 with tryptophan.
Molecular consequence: missense variant. On other transcripts: intron variant (1).
Genome position (GRCh38, 1-based): chr19:15,439,169, G>A on the plus strand (C>T on the coding strand, the complement: WIZ is on the minus strand). VCF-style: chr19-15439169-G-A. GRCh37 (hg19) VCF-style: chr19-15549980-G-A.
Other names: c.1825C>T, p.Arg609Trp (NM_001411129.1); c.206-2040C>T (NM_021241.3); short protein forms R609W.
Identifiers: ClinVar variation 2649494 (VCV002649494.24), dbSNP rs192898305, ClinGen allele CA9268000.